The following is an entry in ClinVar:

NM_005751.5(AKAP9):c.11617G>A (p.Asp3873Asn)

Gene: AKAP9 (A-kinase anchoring protein 9; plus strand). Cytogenetic location: 7q21.2.
Variant type: single nucleotide variant.
Coding change: c.11617G>A on transcript NM_005751.5 (MANE Select); coding-DNA position 11617, G replaced by A.
Protein change: p.Asp3873Asn; replaces aspartic acid 3873 with asparagine.
Molecular consequence: missense variant.
Genome position (GRCh38, 1-based): chr7:92,108,564, G>A. VCF-style: chr7-92108564-G-A. GRCh37 (hg19) VCF-style: chr7-91737878-G-A.
Other names: c.6262G>A, p.Asp2088Asn (NM_001379277.1); c.11593G>A, p.Asp3865Asn (NM_147185.3); short protein forms D3873N, D3865N, D2088N.
Identifiers: ClinVar variation 264495 (VCV000264495.7), dbSNP rs745335257, ClinGen allele CA4338239.

ClinVar aggregate classification (germline): Uncertain significance. Review status: criteria provided, multiple submitters, no conflicts (2 of 4 stars). 2 submissions from 2 submitters: Uncertain significance (2). Last evaluated 2025-10-16.

Conditions:
AKAP9-related disorder. Also called: AKAP9-related condition.
Cardiovascular phenotype. Identifiers: MedGen CN230736.

Allele frequency attached by ClinVar (database versions not stated): gnomAD exomes below 0.00001; ExAC 0.00001; gnomAD 0.00002; TOPMed 0.00002.
gnomAD v4.1: 8 of 1,613,988 alleles (0.0005%); highest among the groups gnomAD compares: African/African-American, 0.0093%; no homozygotes.

Submissions (2):

PreventionGenetics, part of Exact Sciences
Classification: Uncertain significance for AKAP9-related condition. Last evaluated: 2025-10-16. Review status: criteria provided, single submitter. Criteria: ACMG Guidelines, 2015. Collection method: clinical testing. Allele origin: germline.
Comment: The AKAP9 c.11617G>A variant is predicted to result in the amino acid substitution p.Asp3873Asn. To our knowledge, this variant has not been reported in the literature. This variant is reported in 0.012% of alleles in individuals of African descent in gnomAD. At this time, the clinical significance of this variant is uncertain due to the absence of conclusive functional and genetic evidence.

Ambry Genetics
Classification: Uncertain significance for Cardiovascular phenotype. Last evaluated: 2023-05-26. Review status: criteria provided, single submitter. Criteria: Ambry Variant Classification Scheme 2023. Collection method: clinical testing. Allele origin: germline.
Comment: The p.D3873N variant (also known as c.11617G>A), located in coding exon 49 of the AKAP9 gene, results from a G to A substitution at nucleotide position 11617. The aspartic acid at codon 3873 is replaced by asparagine, an amino acid with highly similar properties. This amino acid position is well conserved in available vertebrate species. In addition, this alteration is predicted to be tolerated by in silico analysis. The evidence for this gene-disease relationship is limited; therefore, the clinical significance of this alteration is unclear.